The following is an entry in ClinVar:

ClinVar aggregate classification (germline): Uncertain significance (1 of 4 stars; one submission).

Submission:

Labcorp Genetics (formerly Invitae), Labcorp
Classification: Uncertain significance. Last evaluated: 2021-08-12. Review status: criteria provided, single submitter. Criteria: Invitae Variant Classification Sherloc (09022015). Collection method: clinical testing. Allele origin: germline.
Comment: This variant is a gross deletion of the genomic region encompassing exon(s) 3 of the COL4A3 gene. This variant would be expected to be in-frame, preserving the integrity of the reading frame. This variant has not been reported in the literature in individuals affected with COL4A3-related conditions. Experimental studies and prediction algorithms are not available or were not evaluated, and the functional significance of this variant is currently unknown. In summary, the available evidence is currently insufficient to determine the role of this variant in disease. Therefore, it has been classified as a Variant of Uncertain Significance.

NC_000002.11:g.(?_228104839)_(228104968_?)del

Gene: COL4A3 (collagen type IV alpha 3 chain; plus strand). Cytogenetic location: 2q36.3.
Variant type: Deletion.
Identifiers: ClinVar variation 1408974 (VCV001408974.5).